The following is an entry in ClinVar:

NM_015512.5(DNAH1):c.3071T>G (p.Leu1024Arg)

Gene: DNAH1 (dynein axonemal heavy chain 1; plus strand). Cytogenetic location: 3p21.1.
Variant type: single nucleotide variant.
Coding change: c.3071T>G on transcript NM_015512.5 (MANE Select); coding-DNA position 3071, T replaced by G.
Protein change: p.Leu1024Arg; replaces leucine 1024 with arginine.
Molecular consequence: missense variant.
Genome position (GRCh38, 1-based): chr3:52,353,146, T>G. VCF-style: chr3-52353146-T-G. GRCh37 (hg19) VCF-style: chr3-52387162-T-G.
Other names: short protein forms L1024R.
Identifiers: ClinVar variation 957289 (VCV000957289.5), dbSNP rs61731651, ClinGen allele CA2433474.
Genomic context (GRCh38, chr3:52,353,146, plus strand): 5'-CCCTCCTGTCCCTGCAGTATGACAAGCTCTCCAGGATGGTGAAGGAGTTCCAACCCTACC[T>G]GGACCTTTGGACCACAGCGTCTGACTGGCTGCGCTGGTCGGAGAGCTGGATGAATGACCC-3'
Protein context (NP_056327.4, residues 1014-1034): SRMVKEFQPY[Leu1024Arg]DLWTTASDWL

ClinVar aggregate classification (germline): Uncertain significance (1 of 4 stars; one submission).

Conditions:
Spermatogenic failure 18. Identifiers: MedGen C4539783, MONDO:0054615, OMIM 617576.
Ciliary dyskinesia, primary, 37 (CILD37). Also called: CILIARY DYSKINESIA, PRIMARY, 37, WITH OR WITHOUT SITUS INVERSUS. Identifiers: MedGen C4539798, MONDO:0033204, OMIM 617577.

Allele frequency attached by ClinVar (database versions not stated): gnomAD exomes 0.00001 and 0.00003; ExAC 0.00005; ESP Exome Variant Server 0.00008; gnomAD 0.00013 and 0.00014; TOPMed 0.00015; 1000 Genomes Project 30x 0.00016.
gnomAD v4.1: 36 of 1,613,992 alleles (0.0022%); highest among the groups gnomAD compares: African/African-American, 0.043%; no homozygotes.

Submission:

Labcorp Genetics (formerly Invitae), Labcorp
Classification: Uncertain significance for Ciliary dyskinesia, primary, 37; Spermatogenic failure 18. Last evaluated: 2023-07-19. Review status: criteria provided, single submitter. Criteria: Invitae Variant Classification Sherloc (09022015). Collection method: clinical testing. Allele origin: germline.
Comment: This variant has not been reported in the literature in individuals affected with DNAH1-related conditions. In summary, the available evidence is currently insufficient to determine the role of this variant in disease. Therefore, it has been classified as a Variant of Uncertain Significance. Advanced modeling of protein sequence and biophysical properties (such as structural, functional, and spatial information, amino acid conservation, physicochemical variation, residue mobility, and thermodynamic stability) performed at Invitae indicates that this missense variant is not expected to disrupt DNAH1 protein function. ClinVar contains an entry for this variant (Variation ID: 957289). This variant is present in population databases (rs61731651, gnomAD 0.04%). This sequence change replaces leucine, which is neutral and non-polar, with arginine, which is basic and polar, at codon 1024 of the DNAH1 protein (p.Leu1024Arg).